The following is an entry in ClinVar:

NM_133497.4(KCNV2):c.160T>C (p.Tyr54His)

Gene: KCNV2 (potassium voltage-gated channel modifier subfamily V member 2; plus strand). Cytogenetic location: 9p24.2.
Variant type: single nucleotide variant.
Coding change: c.160T>C on transcript NM_133497.4 (MANE Select); coding-DNA position 160, T replaced by C.
Protein change: p.Tyr54His; replaces tyrosine 54 with histidine.
Molecular consequence: missense variant.
Genome position (GRCh38, 1-based): chr9:2,717,899, T>C. VCF-style: chr9-2717899-T-C. GRCh37 (hg19) VCF-style: chr9-2717899-T-C.
Other names: short protein forms Y54H.
Identifiers: ClinVar variation 1510366 (VCV001510366.7), dbSNP rs138656434, ClinGen allele CA4965340.
Genomic context (GRCh38, chr9:2,717,899, plus strand): 5'-GGTGCCCGTTCCGGCTCCCAGGCCAGCATCCACGGCTGGACAGAGGGCAACTATAACTAC[T>C]ACATCGAGGAAGACGAAGACGGCGAGGAGGAGGACCAGTGGAAGGACGACCTGGCAGAAG-3'
Protein context (NP_598004.1, residues 44-64): HGWTEGNYNY[Tyr54His]IEEDEDGEEE

ClinVar aggregate classification (germline): Uncertain significance. Review status: criteria provided, multiple submitters, no conflicts (2 of 4 stars). 2 submissions from 2 submitters: Uncertain significance (2). Last evaluated 2024-03-28.

Allele frequency attached by ClinVar (database versions not stated): gnomAD exomes 0.00001 and 0.00002; ExAC 0.00002; gnomAD 0.00003; TOPMed 0.00003; ESP Exome Variant Server 0.00023.

Submissions (2):

Blueprint Genetics
Classification: Uncertain significance. Last evaluated: 2024-03-28. Review status: criteria provided, single submitter. Criteria: ACMG Guidelines, 2015. Collection method: clinical testing. Allele origin: germline.

Labcorp Genetics (formerly Invitae), Labcorp
Classification: Uncertain significance. Last evaluated: 2022-08-16. Review status: criteria provided, single submitter. Criteria: Invitae Variant Classification Sherloc (09022015). Collection method: clinical testing. Allele origin: germline.
Comment: In summary, the available evidence is currently insufficient to determine the role of this variant in disease. Therefore, it has been classified as a Variant of Uncertain Significance. Advanced modeling of protein sequence and biophysical properties (such as structural, functional, and spatial information, amino acid conservation, physicochemical variation, residue mobility, and thermodynamic stability) performed at Invitae indicates that this missense variant is not expected to disrupt KCNV2 protein function. ClinVar contains an entry for this variant (Variation ID: 1510366). This variant has not been reported in the literature in individuals affected with KCNV2-related conditions. This sequence change replaces tyrosine, which is neutral and polar, with histidine, which is basic and polar, at codon 54 of the KCNV2 protein (p.Tyr54His). This variant is present in population databases (rs138656434, gnomAD 0.004%).